The following is an entry in ClinVar:

NM_014975.3(MAST1):c.2774-2A>G

Gene: MAST1 (microtubule associated serine/threonine kinase 1; plus strand). Cytogenetic location: 19p13.13.
Variant type: single nucleotide variant.
Coding change: c.2774-2A>G on transcript NM_014975.3 (MANE Select); the canonical splice acceptor site of the intron before coding-DNA position 2774, A replaced by G.
Molecular consequence: splice acceptor variant.
Genome position (GRCh38, 1-based): chr19:12,869,064, A>G. VCF-style: chr19-12869064-A-G. GRCh37 (hg19) VCF-style: chr19-12979878-A-G.
Identifiers: ClinVar variation 5009602 (VCV005009602.1).

ClinVar aggregate classification (germline): Uncertain significance (1 of 4 stars; one submission).

Submission:

GeneDx
Classification: Uncertain significance. Last evaluated: 2026-02-14. Review status: criteria provided, single submitter. Criteria: GeneDx Variant Classification Process June 2021. Collection method: clinical testing. Allele origin: germline.
Comment: Not observed at significant frequency in large population cohorts (gnomAD); Canonical splice site variant in a gene or region of a gene for which loss of function is not a well-established mechanism of disease; Has not been previously published as pathogenic or benign to our knowledge